The following is an entry in ClinVar:

ClinVar aggregate classification (germline): Conflicting classifications of pathogenicity. Review status: criteria provided, conflicting classifications (1 of 4 stars). 2 submissions from 2 submitters: Uncertain significance (1); Likely benign (1). Last evaluated 2024-02-17.

Conditions:
Fanconi anemia complementation group J. Also called: BRIP1-Related Fanconi Anemia. Identifiers: Orphanet 84, MedGen C1836860, MONDO:0012187, OMIM 609054.
Familial cancer of breast. Also called: BREAST CANCER, FAMILIAL; Hereditary breast cancer; hereditary breast carcinoma. Identifiers: Orphanet 227535, MedGen C0346153, MONDO:0016419, OMIM 114480. Disease mechanism: loss of function.
Hereditary cancer-predisposing syndrome. Also called: Neoplastic Syndromes, Hereditary; Hereditary Cancer Syndrome; Tumor predisposition; Hereditary neoplastic syndrome. Identifiers: Orphanet 140162, MedGen C0027672, MeSH D009386, MONDO:0015356.

Submissions (2):

Labcorp Genetics (formerly Invitae), Labcorp
Classification: Likely benign for Familial cancer of breast; Fanconi anemia complementation group J. Last evaluated: 2024-02-17. Review status: criteria provided, single submitter. Criteria: Invitae Variant Classification Sherloc (09022015). Collection method: clinical testing. Allele origin: germline.

Ambry Genetics
Classification: Uncertain significance for Hereditary cancer-predisposing syndrome. Last evaluated: 2022-04-11. Review status: criteria provided, single submitter. Criteria: Ambry Variant Classification Scheme 2023. Collection method: clinical testing. Allele origin: germline.
Comment: The c.2292A>G variant (also known as p.K764K), located in coding exon 15 of the BRIP1 gene, results from an A to G substitution at nucleotide position 2292. This nucleotide substitution does not change the lysine at codon 764. This nucleotide position is well conserved in available vertebrate species. In silico splice site analysis for this alteration is inconclusive and direct evidence is insufficient (Ambry internal data). Since supporting evidence is limited at this time, the clinical significance of this alteration remains unclear.

NM_032043.3(BRIP1):c.2292A>G (p.Lys764=)

Gene: BRIP1 (BRCA1 interacting DNA helicase 1; minus strand). Cytogenetic location: 17q23.2.
Variant type: single nucleotide variant.
Coding change: c.2292A>G on transcript NM_032043.3 (MANE Select); coding-DNA position 2292, A replaced by G.
Protein change: p.Lys764=; no amino-acid change (lysine 764 retained).
Molecular consequence: synonymous variant.
Genome position (GRCh38, 1-based): chr17:61,743,100, T>C on the plus strand (A>G on the coding strand, the complement: BRIP1 is on the minus strand). VCF-style: chr17-61743100-T-C. GRCh37 (hg19) VCF-style: chr17-59820461-T-C.
Identifiers: ClinVar variation 1431147 (VCV001431147.11), dbSNP rs2144678763, ClinGen allele CA501151123.